The following is an entry in ClinVar:

ClinVar aggregate classification (germline): Uncertain significance. Review status: criteria provided, multiple submitters, no conflicts (2 of 4 stars). 3 submissions from 3 submitters: Uncertain significance (3). Last evaluated 2023-03-31.

Conditions:
Inborn genetic diseases. Identifiers: MedGen C0950123, MeSH D030342.

Allele frequency attached by ClinVar (database versions not stated): gnomAD 0.00001; TOPMed 0.00001; ExAC 0.00002; gnomAD exomes 0.00002 and 0.00004.

Submissions (3):

Ambry Genetics
Classification: Uncertain significance for Inborn genetic diseases. Last evaluated: 2023-03-31. Review status: criteria provided, single submitter. Criteria: Ambry Variant Classification Scheme 2023. Collection method: clinical testing. Allele origin: germline.

Blueprint Genetics
Classification: Uncertain significance. Last evaluated: 2022-12-22. Review status: criteria provided, single submitter. Criteria: ACMG Guidelines, 2015. Collection method: clinical testing. Allele origin: germline.

Labcorp Genetics (formerly Invitae), Labcorp
Classification: Uncertain significance. Last evaluated: 2022-08-22. Review status: criteria provided, single submitter. Criteria: Invitae Variant Classification Sherloc (09022015). Collection method: clinical testing. Allele origin: germline.
Comment: This sequence change replaces arginine, which is basic and polar, with histidine, which is basic and polar, at codon 147 of the AGBL5 protein (p.Arg147His). This variant is present in population databases (rs765762435, gnomAD 0.01%). This variant has not been reported in the literature in individuals affected with AGBL5-related conditions. ClinVar contains an entry for this variant (Variation ID: 1393377). Algorithms developed to predict the effect of missense changes on protein structure and function are either unavailable or do not agree on the potential impact of this missense change (SIFT: "Deleterious"; PolyPhen-2: "Probably Damaging"; Align-GVGD: "Class C0"). In summary, the available evidence is currently insufficient to determine the role of this variant in disease. Therefore, it has been classified as a Variant of Uncertain Significance.

NM_021831.6(AGBL5):c.440G>A (p.Arg147His)

Gene: AGBL5 (AGBL carboxypeptidase 5; plus strand). Cytogenetic location: 2p23.3.
Variant type: single nucleotide variant.
Coding change: c.440G>A on transcript NM_021831.6 (MANE Select); coding-DNA position 440, G replaced by A.
Protein change: p.Arg147His; replaces arginine 147 with histidine.
Molecular consequence: missense variant. On other transcripts: non-coding transcript variant (2).
Genome position (GRCh38, 1-based): chr2:27,053,948, G>A. VCF-style: chr2-27053948-G-A. GRCh37 (hg19) VCF-style: chr2-27276816-G-A.
Other names: c.440G>A (NM_021831.5); c.440G>A, p.Arg147His (NM_001035507.3); short protein forms R147H.
Identifiers: ClinVar variation 1393377 (VCV001393377.7), dbSNP rs765762435, ClinGen allele CA1567638.